The following is an entry in ClinVar:

ClinVar aggregate classification (germline): Likely benign (0 of 4 stars; one submission).

Conditions:
CELSR3-related disorder. Also called: CELSR3-related condition.

Allele frequency attached by ClinVar (database versions not stated): gnomAD exomes 0.00008; ExAC 0.00030; gnomAD 0.00052; TOPMed 0.00057; ESP Exome Variant Server 0.00069; 1000 Genomes Project 0.00120; 1000 Genomes Project 30x 0.00141.
gnomAD v4.1: 188 of 1,612,354 alleles (0.012%); highest among the groups gnomAD compares: African/African-American, 0.17%; no homozygotes.

Submission:

PreventionGenetics, part of Exact Sciences
Classification: Likely benign for CELSR3-related condition. Last evaluated: 2022-05-27. Review status: no assertion criteria provided. Collection method: clinical testing. Allele origin: germline.
Comment: This variant is classified as likely benign based on ACMG/AMP sequence variant interpretation guidelines (Richards et al. 2015 PMID: 25741868, with internal and published modifications).

NM_001407.3(CELSR3):c.9449G>A (p.Arg3150Gln)

Gene: CELSR3 (cadherin EGF LAG seven-pass G-type receptor 3; minus strand). Cytogenetic location: 3p21.31.
Variant type: single nucleotide variant.
Coding change: c.9449G>A on transcript NM_001407.3 (MANE Select); coding-DNA position 9449, G replaced by A.
Protein change: p.Arg3150Gln; replaces arginine 3150 with glutamine.
Molecular consequence: missense variant.
Genome position (GRCh38, 1-based): chr3:48,640,136, C>T on the plus strand (G>A on the coding strand, the complement: CELSR3 is on the minus strand). VCF-style: chr3-48640136-C-T. GRCh37 (hg19) VCF-style: chr3-48677569-C-T.
Other names: short protein forms R3150Q.
Identifiers: ClinVar variation 3057638 (VCV003057638.2), dbSNP rs146659525, ClinGen allele CA2383544.